The following is an entry in ClinVar:

NM_000260.4(MYO7A):c.2707C>T (p.Gln903Ter)

Gene: MYO7A (myosin VIIA; plus strand). Cytogenetic location: 11q13.5.
Variant type: single nucleotide variant.
Coding change: c.2707C>T on transcript NM_000260.4 (MANE Select); coding-DNA position 2707, C replaced by T.
Protein change: p.Gln903Ter; replaces glutamine 903 with a stop codon.
Molecular consequence: nonsense.
Genome position (GRCh38, 1-based): chr11:77,181,392, C>T. VCF-style: chr11-77181392-C-T. GRCh37 (hg19) VCF-style: chr11-76892438-C-T.
Other names: c.2707C>T, p.Gln903Ter (NM_001127180.2); c.2674C>T, p.Gln892Ter (NM_001369365.1); short protein forms Q892*, Q903*.
Identifiers: ClinVar variation 856159 (VCV000856159.7), dbSNP rs1955169360, ClinGen allele CA381942641.

ClinVar aggregate classification (germline): Pathogenic (1 of 4 stars; one submission).

Submission:

Labcorp Genetics (formerly Invitae), Labcorp
Classification: Pathogenic. Last evaluated: 2021-11-08. Review status: criteria provided, single submitter. Criteria: Invitae Variant Classification Sherloc (09022015). Collection method: clinical testing. Allele origin: germline.
Comment: This variant has not been reported in the literature in individuals affected with MYO7A-related conditions. This sequence change creates a premature translational stop signal (p.Gln903*) in the MYO7A gene. It is expected to result in an absent or disrupted protein product. Loss-of-function variants in MYO7A are known to be pathogenic (PMID: 8900236, 25404053). This variant is not present in population databases (gnomAD no frequency). ClinVar contains an entry for this variant (Variation ID: 856159). For these reasons, this variant has been classified as Pathogenic.

Literature cited by the submitters: PubMed 8900236; PubMed 25404053.